The following is an entry in ClinVar:

ClinVar aggregate classification (germline): Uncertain significance (1 of 4 stars; one submission).

Submission:

Ambry Genetics
Classification: Uncertain significance. Last evaluated: 2022-09-21. Review status: criteria provided, single submitter. Criteria: Ambry Variant Classification Scheme 2023. Collection method: clinical testing. Allele origin: germline.
Comment: The p.Q156E variant (also known as c.466C>G), located in coding exon 6 of the NPAT gene, results from a C to G substitution at nucleotide position 466. The glutamine at codon 156 is replaced by glutamic acid, an amino acid with highly similar properties. This amino acid position is conserved. In addition, this alteration is predicted to be tolerated by in silico analysis. Since supporting evidence is limited at this time, the clinical significance of this alteration remains unclear.

NM_002519.3(NPAT):c.466C>G (p.Gln156Glu)

Gene: NPAT (nuclear protein, coactivator of histone transcription; minus strand). Cytogenetic location: 11q22.3.
Variant type: single nucleotide variant.
Coding change: c.466C>G on transcript NM_002519.3 (MANE Select); coding-DNA position 466, C replaced by G.
Protein change: p.Gln156Glu; replaces glutamine 156 with glutamic acid.
Molecular consequence: missense variant.
Genome position (GRCh38, 1-based): chr11:108,189,196, G>C on the plus strand (C>G on the coding strand, the complement: NPAT is on the minus strand). VCF-style: chr11-108189196-G-C. GRCh37 (hg19) VCF-style: chr11-108059923-G-C.
Other names: c.466C>G, p.Gln156Glu (NM_001321307.1); short protein forms Q156E.
Identifiers: ClinVar variation 1742299 (VCV001742299.2), dbSNP rs2078138876, ClinGen allele CA382524587.